The following is an entry in ClinVar:

ClinVar aggregate classification (germline): Pathogenic (1 of 4 stars; one submission).

Conditions:
Infantile neuroaxonal dystrophy (NBIA2A). Also called: NEURODEGENERATION WITH BRAIN IRON ACCUMULATION 2A; SEITELBERGER DISEASE; Infantile neuroaxonal dystrophy 1. Identifiers: Orphanet 35069, MedGen C0270724, MONDO:0024457, OMIM 256600.

Submission:

Labcorp Genetics (formerly Invitae), Labcorp
Classification: Pathogenic for Infantile neuroaxonal dystrophy. Last evaluated: 2024-11-03. Review status: criteria provided, single submitter. Criteria: Invitae Variant Classification Sherloc (09022015). Collection method: clinical testing. Allele origin: germline.
Comment: This sequence change creates a premature translational stop signal (p.Leu107Profs*10) in the PLA2G6 gene. It is expected to result in an absent or disrupted protein product. Loss-of-function variants in PLA2G6 are known to be pathogenic (PMID: 16783378, 18570303, 18799783, 22213678). This variant is not present in population databases (gnomAD no frequency). This premature translational stop signal has been observed in individual(s) with infantile neuronal axonal dystrophy type 1 (PMID: 28252636). For these reasons, this variant has been classified as Pathogenic.

Literature cited by the submitters: PubMed 16783378; PubMed 18570303; PubMed 18799783; PubMed 22213678; PubMed 28252636.

NM_003560.4(PLA2G6):c.319dup (p.Leu107fs)

Gene: PLA2G6 (phospholipase A2 group VI; minus strand). Cytogenetic location: 22q13.1.
Variant type: Duplication.
Coding change: c.319dup on transcript NM_003560.4 (MANE Select); coding-DNA position 319, one base duplicated (C; older notation c.319dupC).
Protein change: p.Leu107fs; shifts the reading frame from leucine 107.
Molecular consequence: frameshift variant. On other transcripts: 5 prime UTR variant (3).
Genome position (GRCh38, 1-based): chr22:38,145,544, G duplicated on the plus strand (C on the coding strand, the reverse complement: PLA2G6 is on the minus strand); the first of 2 consecutive G bases (chr22:38,145,544-38,145,545); duplicating either gives the same sequence. VCF-style (leftmost placement, unchanged base first): chr22-38145543-A-AG. GRCh37 (hg19) VCF-style: chr22-38541550-A-AG.
Other names: c.319dup, p.Leu107fs (NM_001004426.3, NM_001199562.3, NM_001349864.2 and 2 more transcripts); c.-216dup (NM_001349867.2, NM_001349869.2); c.-172dup (NM_001349868.2); short protein forms L107fs.
Identifiers: ClinVar variation 3715809 (VCV003715809.2).